The following is an entry in ClinVar:

ClinVar aggregate classification (germline): Uncertain significance (1 of 4 stars; one submission).

Allele frequency attached by ClinVar (database versions not stated): TOPMed below 0.00001; gnomAD exomes 0.00001.
gnomAD v4.1: 6 of 1,613,890 alleles (0.00037%); highest among the groups gnomAD compares: Non-Finnish European, 0.00051%; no homozygotes.

Submission:

Labcorp Genetics (formerly Invitae), Labcorp
Classification: Uncertain significance. Last evaluated: 2022-05-16. Review status: criteria provided, single submitter. Criteria: Invitae Variant Classification Sherloc (09022015). Collection method: clinical testing. Allele origin: germline.
Comment: In summary, the available evidence is currently insufficient to determine the role of this variant in disease. Therefore, it has been classified as a Variant of Uncertain Significance. Algorithms developed to predict the effect of sequence changes on RNA splicing suggest that this variant may disrupt the consensus splice site. Advanced modeling of protein sequence and biophysical properties (such as structural, functional, and spatial information, amino acid conservation, physicochemical variation, residue mobility, and thermodynamic stability) performed at Invitae indicates that this missense variant is not expected to disrupt ECHS1 protein function. This variant has not been reported in the literature in individuals affected with ECHS1-related conditions. This variant is not present in population databases (gnomAD no frequency). This sequence change replaces serine, which is neutral and polar, with asparagine, which is neutral and polar, at codon 256 of the ECHS1 protein (p.Ser256Asn).

NM_004092.4(ECHS1):c.767G>A (p.Ser256Asn)

Gene: ECHS1 (enoyl-CoA hydratase, short chain 1; minus strand). Cytogenetic location: 10q26.3.
Variant type: single nucleotide variant.
Coding change: c.767G>A on transcript NM_004092.4 (MANE Select); coding-DNA position 767, G replaced by A.
Protein change: p.Ser256Asn; replaces serine 256 with asparagine.
Molecular consequence: missense variant.
Genome position (GRCh38, 1-based): chr10:133,364,698, C>T on the plus strand (G>A on the coding strand, the complement: ECHS1 is on the minus strand). VCF-style: chr10-133364698-C-T. GRCh37 (hg19) VCF-style: chr10-135178202-C-T.
Other names: short protein forms S256N.
Identifiers: ClinVar variation 1930652 (VCV001930652.5), dbSNP rs1849006703, ClinGen allele CA378817765.